The following is an entry in ClinVar:

NM_012469.4(PRPF6):c.523C>T (p.Arg175Cys)

Gene: PRPF6 (pre-mRNA processing factor 6; plus strand). Cytogenetic location: 20q13.33.
Variant type: single nucleotide variant.
Coding change: c.523C>T on transcript NM_012469.4 (MANE Select); coding-DNA position 523, C replaced by T.
Protein change: p.Arg175Cys; replaces arginine 175 with cysteine.
Molecular consequence: missense variant.
Genome position (GRCh38, 1-based): chr20:63,995,000, C>T. VCF-style: chr20-63995000-C-T. GRCh37 (hg19) VCF-style: chr20-62626353-C-T.
Other names: short protein forms R175C.
Identifiers: ClinVar variation 943752 (VCV000943752.9), dbSNP rs745861376, ClinGen allele CA9971927.
Genomic context (GRCh38, chr20:63,995,000, plus strand): 5'-GAAGAGTGGCTGAGCATCCCCGAGGTTGGCGATGCCAGAAATAAACGTCAGCGGAACCCA[C>T]GCTATGAGAAGCTGACCCCTGTTCCTGACAGTTTCTTTGCCAAACATTTACAGACCGGAG-3'
Protein context (NP_036601.2, residues 165-185): DARNKRQRNP[Arg175Cys]YEKLTPVPDS

ClinVar aggregate classification (germline): Uncertain significance (1 of 4 stars; one submission).

Allele frequency attached by ClinVar (database versions not stated): gnomAD exomes below 0.00001; ExAC 0.00001.
gnomAD v4.1: 2 of 1,614,198 alleles (0.00012%); highest among the groups gnomAD compares: Non-Finnish European, 0.00017%; no homozygotes.

Submission:

Labcorp Genetics (formerly Invitae), Labcorp
Classification: Uncertain significance. Last evaluated: 2022-05-22. Review status: criteria provided, single submitter. Criteria: Invitae Variant Classification Sherloc (09022015). Collection method: clinical testing. Allele origin: germline.
Comment: ClinVar contains an entry for this variant (Variation ID: 943752). In summary, the available evidence is currently insufficient to determine the role of this variant in disease. Therefore, it has been classified as a Variant of Uncertain Significance. Algorithms developed to predict the effect of missense changes on protein structure and function (SIFT, PolyPhen-2, Align-GVGD) all suggest that this variant is likely to be disruptive. This variant has not been reported in the literature in individuals affected with PRPF6-related conditions. This variant is present in population databases (rs745861376, gnomAD 0.003%). This sequence change replaces arginine, which is basic and polar, with cysteine, which is neutral and slightly polar, at codon 175 of the PRPF6 protein (p.Arg175Cys).